The following is an entry in ClinVar:

ClinVar aggregate classification (germline): Likely benign. Review status: criteria provided, multiple submitters, no conflicts (2 of 4 stars). 3 submissions from 3 submitters: Likely benign (3). Last evaluated 2026-01-12.

Conditions:
PEX6-related disorder. Also called: PEX6-related condition; PEX6-related disorders.
Peroxisome biogenesis disorder. Identifiers: Orphanet 79189, MedGen C1832200, MONDO:0019234. Disease mechanism: loss of function.

Allele frequency attached by ClinVar (database versions not stated): TOPMed 0.00003; gnomAD 0.00004 and 0.00005; gnomAD exomes 0.00004; ExAC 0.00005; 1000 Genomes Project 30x 0.00016; 1000 Genomes Project 0.00020.
gnomAD v4.1: 64 of 1,614,122 alleles (0.004%); highest among the groups gnomAD compares: Middle Eastern, 0.016%; no homozygotes.

Submissions (3):

Labcorp Genetics (formerly Invitae), Labcorp
Classification: Likely benign for Peroxisome biogenesis disorder. Last evaluated: 2026-01-12. Review status: criteria provided, single submitter. Criteria: Invitae Variant Classification Sherloc (09022015). Collection method: clinical testing. Allele origin: germline.

PreventionGenetics, part of Exact Sciences
Classification: Likely benign for PEX6-related condition. Last evaluated: 2024-10-20. Review status: criteria provided, single submitter. Criteria: ACMG Guidelines, 2015. Collection method: clinical testing. Allele origin: germline.
Comment: This variant is classified as likely benign based on ACMG/AMP sequence variant interpretation guidelines (Richards et al. 2015 PMID: 25741868, with internal and published modifications).

Blueprint Genetics
Classification: Likely benign. Last evaluated: 2024-03-21. Review status: criteria provided, single submitter. Criteria: ACMG Guidelines, 2015. Collection method: clinical testing. Allele origin: germline.

NM_000287.4(PEX6):c.2095-19C>T

Gene: PEX6 (peroxisomal biogenesis factor 6; minus strand). Cytogenetic location: 6p21.1.
Variant type: single nucleotide variant.
Coding change: c.2095-19C>T on transcript NM_000287.4 (MANE Select); 19 bases into the intron before coding-DNA position 2095, C replaced by T.
Molecular consequence: intron variant.
Genome position (GRCh38, 1-based): chr6:42,966,466, G>A on the plus strand (C>T on the coding strand, the complement: PEX6 is on the minus strand). VCF-style: chr6-42966466-G-A. GRCh37 (hg19) VCF-style: chr6-42934204-G-A.
Other names: c.2095-19C>T (NM_000287.3); c.1831-19C>T (NM_001316313.2).
Identifiers: ClinVar variation 1576311 (VCV001576311.10), dbSNP rs201875496, ClinGen allele CA3811124.